The following is an entry in ClinVar:

NM_001384140.1(PCDH15):c.3719T>A (p.Val1240Asp)

Gene: PCDH15 (protocadherin related 15; minus strand). Cytogenetic location: 10q21.1.
Variant type: single nucleotide variant.
Coding change: c.3719T>A on transcript NM_001384140.1 (MANE Select); coding-DNA position 3719, T replaced by A.
Protein change: p.Val1240Asp; replaces valine 1240 with aspartic acid.
Molecular consequence: missense variant.
Genome position (GRCh38, 1-based): chr10:53,857,262, A>T on the plus strand (T>A on the coding strand, the complement: PCDH15 is on the minus strand). VCF-style: chr10-53857262-A-T. GRCh37 (hg19) VCF-style: chr10-55617022-A-T.
Other names: c.3734T>A, p.Val1245Asp (NM_001142763.2, NM_001142771.2); c.3719T>A, p.Val1240Asp (NM_001142764.2, NM_001142766.2, NM_001142770.3 and 4 more transcripts); c.3506T>A, p.Val1169Asp (NM_001142765.2); c.3608T>A, p.Val1203Asp (NM_001142767.2); c.3653T>A, p.Val1218Asp (NM_001142768.2, NM_001142773.2, NM_001354404.2); c.3755T>A, p.Val1252Asp (NM_001142769.4); c.3740T>A, p.Val1247Asp (NM_001354411.2); short protein forms V1240D, V1245D, V1169D, V1218D, V1247D, V1252D, V1203D.
Identifiers: ClinVar variation 46473 (VCV000046473.8), dbSNP rs397517458, ClinGen allele CA138422.

ClinVar aggregate classification (germline): Uncertain significance. Review status: criteria provided, multiple submitters, no conflicts (2 of 4 stars). 2 submissions from 2 submitters: Uncertain significance (2). Last evaluated 2024-01-09.

Allele frequency attached by ClinVar (database versions not stated): gnomAD 0.00001; TOPMed 0.00001.
gnomAD v4.1: 1 of 1,608,928 alleles (0.000062%); highest among the groups gnomAD compares: African/African-American, 0.0013%; no homozygotes.

Submissions (2):

Labcorp Genetics (formerly Invitae), Labcorp
Classification: Uncertain significance. Last evaluated: 2024-01-09. Review status: criteria provided, single submitter. Criteria: Invitae Variant Classification Sherloc (09022015). Collection method: clinical testing. Allele origin: germline.
Comment: This sequence change replaces valine, which is neutral and non-polar, with aspartic acid, which is acidic and polar, at codon 1240 of the PCDH15 protein (p.Val1240Asp). This variant is not present in population databases (gnomAD no frequency). This variant has not been reported in the literature in individuals affected with PCDH15-related conditions. ClinVar contains an entry for this variant (Variation ID: 46473). An algorithm developed to predict the effect of missense changes on protein structure and function (PolyPhen-2) suggests that this variant is likely to be disruptive. In summary, the available evidence is currently insufficient to determine the role of this variant in disease. Therefore, it has been classified as a Variant of Uncertain Significance.

Laboratory for Molecular Medicine, Mass General Brigham Personalized Medicine
Classification: Uncertain significance. Last evaluated: 2013-01-29. Review status: criteria provided, single submitter. Criteria: LMM Criteria. Collection method: clinical testing. Allele origin: germline. Observed: 2 variant alleles.
Comment: The Val1240Asp variant in PCDH15 has not been reported in the literature nor pre viously identified by our laboratory. Computational analyses (biochemical amino acid properties, conservation, AlignGVGD, PolyPhen2, and SIFT) suggest that the Val1240Asp variant may impact the protein, though this information is not predic tive enough to determine pathogenicity. Additional data is needed to determine t he clinical significance of this variant.